The following is an entry in ClinVar:

ClinVar aggregate classification (germline): Likely pathogenic (1 of 4 stars; one submission).

Conditions:
Basilicata-Akhtar syndrome. Also called: MENTAL RETARDATION, X-LINKED, SYNDROMIC, BASILICATA-AKHTAR TYPE; INTELLECTUAL DEVELOPMENTAL DISORDER, X-LINKED, SYNDROMIC, 36. Identifiers: MedGen C5231394, MONDO:0026730, OMIM 301032.

Submission:

Diagnostics Services (NGS), CSIR - Centre For Cellular And Molecular Biology
Classification: Likely pathogenic for Basilicata-Akhtar syndrome. Last evaluated: 2025-06-16. Review status: criteria provided, single submitter. Criteria: ACMG Guidelines, 2015. Collection method: clinical testing. Allele origin: germline. Affected: yes. Observed: 1 variant allele, 1 hemizygote.
Comment: The c.1211dup variant is not present in publicly available population databases like 1000 Genomes, EVS, gnomAD, Indian Exome Database or our internal database. This variant has neither been published in the literature for MSL3-related conditions nor reported to clinical databases like Human Genome Mutation database (HGMD), ClinVar or OMIM in any affected individuals. In-silico pathogenicity prediction programs like MutationTaster2021, CADD, Franklin, Varsome etc predicted this variant to be likely deleterious. This variant causes frameshift at the 404th amino acid position of the wild-type transcript which creates a premature translational stop signal at the altered transcript that may either result in translation of a truncated protein or cause nonsense mediated decay of the mRNA.

NM_078629.4(MSL3):c.1211dup (p.Thr405fs)

Gene: MSL3 (MSL complex subunit 3; plus strand). Cytogenetic location: Xp22.2.
Variant type: Duplication.
Coding change: c.1211dup on transcript NM_078629.4 (MANE Select); coding-DNA position 1211, one base duplicated (T; older notation c.1211dupT).
Protein change: p.Thr405fs; shifts the reading frame from threonine 405.
Molecular consequence: frameshift variant.
Genome position (GRCh38, 1-based): chrX:11,768,612, T duplicated. VCF-style (leftmost placement, unchanged base first): chrX-11768611-C-CT. GRCh37 (hg19) VCF-style: chrX-11786730-C-CT.
Other names: c.1175dup, p.Thr393fs (NM_001193270.2); c.764dup, p.Thr256fs (NM_001282174.1); c.713dup, p.Thr239fs (NM_006800.4); short protein forms T239fs, T256fs, T393fs, T405fs.
Identifiers: ClinVar variation 4057283 (VCV004057283.1).
Genomic context (GRCh38, chrX:11,768,611, plus strand): 5'-ATTTCATCTTTTTCTTTGGAAGAGACACCTGTGCATAGCAGATCATCTTCACCTATTCCT[C>CT]TGACTCCTAGCAAGGAAGGGAGTGCTGTGTTTGCTGGCTTTGAAGGGAGAAGAACTAATG-3'